The following is an entry in ClinVar:

ClinVar aggregate classification (germline): Uncertain significance (1 of 4 stars; one submission).

Submission:

GeneDx
Classification: Uncertain significance. Last evaluated: 2023-07-05. Review status: criteria provided, single submitter. Criteria: GeneDx Variant Classification Process June 2021. Collection method: clinical testing. Allele origin: germline. Affected: yes.
Comment: Not observed at significant frequency in large population cohorts (gnomAD); In silico analysis supports that this missense variant does not alter protein structure/function; Has not been previously published as pathogenic or benign to our knowledge

NM_153240.5(NPHP3):c.1145C>A (p.Ala382Asp)

Genes: NPHP3 (nephrocystin 3; minus strand), NPHP3-ACAD11 (NPHP3-ACAD11 readthrough (NMD candidate); minus strand). Cytogenetic location: 3q22.1.
Variant type: single nucleotide variant.
Coding change: c.1145C>A on transcript NM_153240.5 (MANE Select); coding-DNA position 1145, C replaced by A.
Protein change: p.Ala382Asp; replaces alanine 382 with aspartic acid.
Molecular consequence: missense variant. On other transcripts: non-coding transcript variant (1).
Genome position (GRCh38, 1-based): chr3:132,708,231, G>T on the plus strand (C>A on the coding strand, the complement: NPHP3 is on the minus strand). VCF-style: chr3-132708231-G-T. GRCh37 (hg19) VCF-style: chr3-132427075-G-T.
Other names: short protein forms A382D.
Identifiers: ClinVar variation 2571805 (VCV002571805.1), dbSNP rs768952966, ClinGen allele CA354585257.